The following is an entry in ClinVar:

ClinVar aggregate classification (germline): Uncertain significance. Review status: criteria provided, multiple submitters, no conflicts (2 of 4 stars). 2 submissions from 2 submitters: Uncertain significance (2). Last evaluated 2025-06-17.

Conditions:
Hereditary cancer-predisposing syndrome. Also called: Tumor predisposition; Neoplastic Syndromes, Hereditary; Hereditary neoplastic syndrome; Hereditary Cancer Syndrome. Identifiers: Orphanet 140162, MedGen C0027672, MeSH D009386, MONDO:0015356.
Retinoblastoma (RB1). Also called: RETINOBLASTOMA, SOMATIC. Identifiers: Orphanet 790, MedGen C0035335, MeSH D012175, MONDO:0008380, OMIM 180200, HP:0009919. Disease mechanism: loss of function. Inheritance: Both sporadic and heritable forms are tested..

Allele frequency attached by ClinVar (database versions not stated): TOPMed 0.00001.

Submissions (2):

Labcorp Genetics (formerly Invitae), Labcorp
Classification: Uncertain significance for Retinoblastoma. Last evaluated: 2025-06-17. Review status: criteria provided, single submitter. Criteria: Invitae Variant Classification Sherloc (09022015). Collection method: clinical testing. Allele origin: germline.
Comment: This sequence change falls in intron 21 of the RB1 gene. It does not directly change the encoded amino acid sequence of the RB1 protein. It affects a nucleotide within the consensus splice site. This variant is not present in population databases (gnomAD no frequency). This variant has not been reported in the literature in individuals affected with RB1-related conditions. ClinVar contains an entry for this variant (Variation ID: 1517646). Variants that disrupt the consensus splice site are a relatively common cause of aberrant splicing (PMID: 17576681, 9536098). Algorithms developed to predict the effect of sequence changes on RNA splicing suggest that this variant is not likely to affect RNA splicing. In summary, the available evidence is currently insufficient to determine the role of this variant in disease. Therefore, it has been classified as a Variant of Uncertain Significance.

Ambry Genetics
Classification: Uncertain significance for Hereditary cancer-predisposing syndrome. Last evaluated: 2022-08-23. Review status: criteria provided, single submitter. Criteria: Ambry Variant Classification Scheme 2023. Collection method: clinical testing. Allele origin: germline.
Comment: The c.2211+4G>T intronic variant results from a G to T substitution 4 nucleotides after coding exon 21 in the RB1 gene. This nucleotide position is not well conserved in available vertebrate species. In silico splice site analysis predicts that this alteration will not have any significant effect on splicing. Since supporting evidence is limited at this time, the clinical significance of this alteration remains unclear.

Literature cited by the submitters: PubMed 17576681 (cited by Labcorp Genetics (formerly Invitae), Labcorp); PubMed 9536098 (cited by Labcorp Genetics (formerly Invitae), Labcorp).

NM_000321.3(RB1):c.2211+4G>T

Gene: RB1 (RB transcriptional corepressor 1; plus strand). Cytogenetic location: 13q14.2.
Variant type: single nucleotide variant.
Coding change: c.2211+4G>T on transcript NM_000321.3 (MANE Select); 4 bases into the intron after coding-DNA position 2211, G replaced by T.
Molecular consequence: intron variant.
Genome position (GRCh38, 1-based): chr13:48,463,839, G>T. VCF-style: chr13-48463839-G-T. GRCh37 (hg19) VCF-style: chr13-49037975-G-T.
Identifiers: ClinVar variation 1517646 (VCV001517646.8), dbSNP rs1060503076, ClinGen allele CA698685119.